The following is an entry in ClinVar:

ClinVar aggregate classification (germline): Uncertain significance. Review status: criteria provided, multiple submitters, no conflicts (2 of 4 stars). 2 submissions from 2 submitters: Uncertain significance (2). Last evaluated 2025-05-08.

Conditions:
DICER1-related tumor predisposition. Also called: DICER1-related pleuropulmonary blastoma cancer predisposition syndrome; DICER1 syndrome. Identifiers: Orphanet 284343, MedGen C3839822, MONDO:0100216.
Hereditary cancer-predisposing syndrome. Also called: Neoplastic Syndromes, Hereditary; Hereditary neoplastic syndrome; Hereditary Cancer Syndrome; Tumor predisposition. Identifiers: Orphanet 140162, MedGen C0027672, MeSH D009386, MONDO:0015356.

Allele frequency attached by ClinVar (database versions not stated): gnomAD exomes below 0.00001; ExAC 0.00001.
gnomAD v4.1: 1 of 1,613,598 alleles (0.000062%); highest among the groups gnomAD compares: Non-Finnish European, 0.000085%; no homozygotes.

Submissions (2):

Ambry Genetics
Classification: Uncertain significance for Hereditary cancer-predisposing syndrome. Last evaluated: 2025-05-08. Review status: criteria provided, single submitter. Criteria: Ambry Variant Classification Scheme 2023. Collection method: clinical testing. Allele origin: germline.
Comment: The p.H145R variant (also known as c.434A>G), located in coding exon 3 of the DICER1 gene, results from an A to G substitution at nucleotide position 434. The histidine at codon 145 is replaced by arginine, an amino acid with highly similar properties. This amino acid position is well conserved in available vertebrate species. In addition, this alteration is predicted to be tolerated by in silico analysis. Based on the available evidence, the clinical significance of this variant remains unclear.

Labcorp Genetics (formerly Invitae), Labcorp
Classification: Uncertain significance for DICER1-related tumor predisposition. Last evaluated: 2024-07-03. Review status: criteria provided, single submitter. Criteria: Invitae Variant Classification Sherloc (09022015). Collection method: clinical testing. Allele origin: germline.
Comment: This sequence change replaces histidine, which is basic and polar, with arginine, which is basic and polar, at codon 145 of the DICER1 protein (p.His145Arg). This variant is present in population databases (rs747179239, gnomAD 0.007%). This variant has not been reported in the literature in individuals affected with DICER1-related conditions. ClinVar contains an entry for this variant (Variation ID: 944535). Advanced modeling of protein sequence and biophysical properties (such as structural, functional, and spatial information, amino acid conservation, physicochemical variation, residue mobility, and thermodynamic stability) performed at Invitae indicates that this missense variant is expected to disrupt DICER1 protein function with a positive predictive value of 80%. In summary, the available evidence is currently insufficient to determine the role of this variant in disease. Therefore, it has been classified as a Variant of Uncertain Significance.

NM_177438.3(DICER1):c.434A>G (p.His145Arg)

Gene: DICER1 (dicer 1, ribonuclease III; minus strand). Cytogenetic location: 14q32.13.
Variant type: single nucleotide variant.
Coding change: c.434A>G on transcript NM_177438.3 (MANE Select); coding-DNA position 434, A replaced by G.
Protein change: p.His145Arg; replaces histidine 145 with arginine.
Molecular consequence: missense variant.
Genome position (GRCh38, 1-based): chr14:95,131,513, T>C on the plus strand (A>G on the coding strand, the complement: DICER1 is on the minus strand). VCF-style: chr14-95131513-T-C. GRCh37 (hg19) VCF-style: chr14-95597850-T-C.
Other names: c.434A>G, p.His145Arg (NM_001195573.1, NM_001271282.3, NM_001291628.2 and 1 more transcripts); short protein forms H145R.
Identifiers: ClinVar variation 944535 (VCV000944535.14), dbSNP rs747179239, ClinGen allele CA7331673.